The following is an entry in ClinVar:

NM_001394372.1(BICRA):c.1343G>T (p.Ser448Ile)

Gene: BICRA (BRD4 interacting chromatin remodeling complex associated protein; plus strand). Cytogenetic location: 19q13.33.
Variant type: single nucleotide variant.
Coding change: c.1343G>T on transcript NM_001394372.1 (MANE Select); coding-DNA position 1343, G replaced by T.
Protein change: p.Ser448Ile; replaces serine 448 with isoleucine.
Molecular consequence: missense variant.
Genome position (GRCh38, 1-based): chr19:47,680,513, G>T. VCF-style: chr19-47680513-G-T. GRCh37 (hg19) VCF-style: chr19-48183770-G-T.
Other names: c.1343G>T, p.Ser448Ile (NM_015711.3); short protein forms S448I.
Identifiers: ClinVar variation 3372061 (VCV003372061.1).
Genomic context (GRCh38, chr19:47,680,513, plus strand): 5'-CGGCCACCACCACCGGAGCGGCCCCGCCGCAGCCCCCCGGGGCCCTGAGCAAACCCATGA[G>T]CGTCCACCTCCTGAACCAAGGCAGCAGCATCGTCATCCCCGCCCAGCACATGCTGCCGGG-3'
Protein context (NP_001381301.1, residues 438-458): QPPGALSKPM[Ser448Ile]VHLLNQGSSI

ClinVar aggregate classification (germline): Uncertain significance (1 of 4 stars; one submission).

gnomAD v4.1: 1 of 1,544,462 alleles (0.000065%); no homozygotes.

Submission:

GeneDx
Classification: Uncertain significance. Last evaluated: 2024-04-03. Review status: criteria provided, single submitter. Criteria: GeneDx Variant Classification Process June 2021. Collection method: clinical testing. Allele origin: germline. Affected: yes.
Comment: Not observed at significant frequency in large population cohorts (gnomAD); In silico analysis supports that this missense variant has a deleterious effect on protein structure/function; Has not been previously published as pathogenic or benign to our knowledge